The following is an entry in ClinVar:

NM_001349798.2(FBXW7):c.862-6dup

Gene: FBXW7 (F-box and WD repeat domain containing 7; minus strand). Cytogenetic location: 4q31.3.
Variant type: Duplication.
Coding change: c.862-6dup on transcript NM_001349798.2 (MANE Select); 6 bases into the intron before coding-DNA position 862, one base duplicated (T; older notation c.862-6dupT).
Molecular consequence: intron variant.
Genome position (GRCh38, 1-based): chr4:152,332,725, A duplicated on the plus strand (T on the coding strand, the reverse complement: FBXW7 is on the minus strand); the first of 7 consecutive A bases (chr4:152,332,725-152,332,731); duplicating any one gives the same sequence. VCF-style (leftmost placement, unchanged base first): chr4-152332724-G-GA. GRCh37 (hg19) VCF-style: chr4-153253876-G-GA.
Other names: c.508-6dup (NM_001013415.2); c.622-6dup (NM_018315.5); c.862-6dup (NM_033632.3).
Identifiers: ClinVar variation 3657134 (VCV003657134.6).
Genomic context (GRCh38, chr4:152,332,724, plus strand): 5'-TGAGCTGCTTGTAGCAGGTCTTTGGGTTCCAGGAATGAAAGCACATAGAGTGCCAACTAA[G>GA]AAAAAAATGCATAGTATAATACCCATATTTAAATAAATATATATATTATATAATAAGTTA-3'

ClinVar aggregate classification (germline): Benign/Likely benign. Review status: criteria provided, multiple submitters, no conflicts (2 of 4 stars). 2 submissions from 2 submitters: Benign (1); Likely benign (1). Last evaluated 2026-03-01.

Submissions (2):

CeGaT Center for Human Genetics Tuebingen
Classification: Likely benign. Last evaluated: 2026-03-01. Review status: criteria provided, single submitter. Criteria: CeGaT Center For Human Genetics Tuebingen Variant Classification Criteria Version 2. Collection method: clinical testing. Allele origin: germline. Affected: yes. Observed: 1 variant allele.
Comment: FBXW7: BP4

Labcorp Genetics (formerly Invitae), Labcorp
Classification: Benign. Last evaluated: 2026-01-05. Review status: criteria provided, single submitter. Criteria: Invitae Variant Classification Sherloc (09022015). Collection method: clinical testing. Allele origin: germline.